The following is an entry in ClinVar:

ClinVar aggregate classification (germline): Uncertain significance (1 of 4 stars; one submission).

Allele frequency attached by ClinVar (database versions not stated): gnomAD 0.00001; TOPMed below 0.00001; gnomAD exomes below 0.00001.

Submission:

Labcorp Genetics (formerly Invitae), Labcorp
Classification: Uncertain significance. Last evaluated: 2025-02-03. Review status: criteria provided, single submitter. Criteria: Invitae Variant Classification Sherloc (09022015). Collection method: clinical testing. Allele origin: germline.
Comment: This sequence change falls in intron 13 of the AGBL5 gene. It does not directly change the encoded amino acid sequence of the AGBL5 protein. This variant is not present in population databases (gnomAD no frequency). This variant has not been reported in the literature in individuals affected with AGBL5-related conditions. ClinVar contains an entry for this variant (Variation ID: 1968996). Algorithms developed to predict the effect of sequence changes on RNA splicing suggest that this variant may disrupt the consensus splice site. In summary, the available evidence is currently insufficient to determine the role of this variant in disease. Therefore, it has been classified as a Variant of Uncertain Significance.

NM_021831.6(AGBL5):c.2356-12_2356-11del

Gene: AGBL5 (AGBL carboxypeptidase 5; plus strand). Cytogenetic location: 2p23.3.
Variant type: Deletion.
Coding change: c.2356-12_2356-11del on transcript NM_021831.6 (MANE Select); 12 bases into the intron before coding-DNA position 2356 through 11 bases into the intron before coding-DNA position 2356, 2 bases deleted (CT; older notation c.2356-12_2356-11delCT).
Molecular consequence: intron variant.
Genome position (GRCh38, 1-based): chr2:27,069,561-27,069,562, CT deleted. VCF-style (leftmost placement, unchanged base first): chr2-27069560-CCT-C. GRCh37 (hg19) VCF-style: chr2-27292428-CCT-C.
Identifiers: ClinVar variation 1968996 (VCV001968996.5), dbSNP rs1669173489, ClinGen allele CA425372005.